The following is an entry in ClinVar:

ClinVar aggregate classification (germline): Benign/Likely benign. Review status: criteria provided, multiple submitters, no conflicts (2 of 4 stars). 7 submissions from 7 submitters: Benign (1); Likely benign (4). 2 of the submissions do not count toward it. Last evaluated 2026-01-30.

Conditions:
Fanconi anemia (FA). Also called: Fanconi's anemia. Identifiers: Orphanet 84, MedGen C0015625, MeSH D005199, MONDO:0019391.
FANCA-related disorder. Also called: FANCA-related condition.
Fanconi anemia complementation group A (FANCA). Also called: Fanconi anemia, group A; FANCA-Related Fanconi Anemia. Identifiers: Orphanet 84, MedGen C3469521, MONDO:0009215, OMIM 227650.

Allele frequency attached by ClinVar (database versions not stated): gnomAD below 0.00001 and 0.00011; TOPMed 0.00002; gnomAD exomes 0.00028 and 0.00058; 1000 Genomes Project 0.00040; 1000 Genomes Project 30x 0.00047; ExAC 0.00068.
gnomAD v4.1: 425 of 1,614,042 alleles (0.026%); highest among the groups gnomAD compares: South Asian, 0.43%; 8 homozygotes.

Submissions (7):

Labcorp Genetics (formerly Invitae), Labcorp
Classification: Benign for Fanconi anemia. Last evaluated: 2026-01-30. Review status: criteria provided, single submitter. Criteria: Invitae Variant Classification Sherloc (09022015). Collection method: clinical testing. Allele origin: germline.

Blueprint Genetics
Classification: Likely benign. Last evaluated: 2024-11-22. Review status: criteria provided, single submitter. Criteria: ACMG Guidelines, 2015. Collection method: clinical testing. Allele origin: germline.

Genome-Nilou Lab
Classification: Likely benign for Fanconi anemia complementation group A. Last evaluated: 2021-07-14. Review status: criteria provided, single submitter. Criteria: ACMG Guidelines, 2015. Collection method: clinical testing. Allele origin: germline. Affected: no.

Genetic Services Laboratory, University of Chicago
Classification: Likely benign. Last evaluated: 2021-03-05. Review status: criteria provided, single submitter. Criteria: ACMG Guidelines, 2015. Collection method: clinical testing. Allele origin: germline. Affected: no.

Illumina Laboratory Services, Illumina
Classification: Likely benign for Fanconi anemia complementation group A. Last evaluated: 2018-01-13. Review status: criteria provided, single submitter. Criteria: ICSL Variant Classification Criteria 13 December 2019. Collection method: clinical testing. Allele origin: germline.
Comment: This variant was observed in the ICSL laboratory as part of a predisposition screen in an ostensibly healthy population. It had not been previously curated by ICSL or reported in the Human Gene Mutation Database (HGMD: prior to June 1st, 2018), and was therefore a candidate for classification through an automated scoring system. Utilizing variant allele frequency, disease prevalence and penetrance estimates, and inheritance mode, an automated score was calculated to assess if this variant is too frequent to cause the disease. Based on the score and internal cut-off values, a variant classified as likely benign is not then subjected to further curation. The score for this variant resulted in a classification of likely benign for this disease.

PreventionGenetics, part of Exact Sciences
Classification: Likely benign for FANCA-related condition. Last evaluated: 2021-09-07. Review status: no assertion criteria provided. Collection method: clinical testing. Allele origin: germline. Not counted in ClinVar's aggregate classification.
Comment: This variant is classified as likely benign based on ACMG/AMP sequence variant interpretation guidelines (Richards et al. 2015 PMID: 25741868, with internal and published modifications).

Natera, Inc.
Classification: Benign for Fanconi anemia, group A. Last evaluated: 2019-10-28. Review status: no assertion criteria provided. Collection method: clinical testing. Allele origin: germline. Not counted in ClinVar's aggregate classification.

NM_000135.4(FANCA):c.3265G>A (p.Val1089Ile)

Gene: FANCA (FA complementation group A; minus strand). Cytogenetic location: 16q24.3.
Variant type: single nucleotide variant.
Coding change: c.3265G>A on transcript NM_000135.4 (MANE Select); coding-DNA position 3265, G replaced by A.
Protein change: p.Val1089Ile; replaces valine 1089 with isoleucine.
Molecular consequence: missense variant.
Genome position (GRCh38, 1-based): chr16:89,748,742, C>T on the plus strand (G>A on the coding strand, the complement: FANCA is on the minus strand). VCF-style: chr16-89748742-C-T. GRCh37 (hg19) VCF-style: chr16-89815150-C-T.
Other names: c.3265G>A (LRG_495t1, NM_000135.3); c.3265G>A, p.Val1089Ile (NM_001286167.3); short protein forms V1089I.
Identifiers: ClinVar variation 321340 (VCV000321340.26), dbSNP rs536839082, ClinGen allele CA8251247.
Genomic context (GRCh38, chr16:89,748,742, plus strand): 5'-AGAACTGCTCGCATCTGGCAGTGATGGGCTGTTCTGCCTGGAAGCTGCTGCCGCAGAGGA[C>T]AGACGAAGGCAGGCGGAGGAGGATCCTGGAAAGAAGGGGCTGTATTGGTGGCGACAGCAC-3'
Protein context (NP_000126.2, residues 1079-1099): KRILLRLPSS[Val1089Ile]LCGSSFQAEQ